The following is an entry in ClinVar:

ClinVar aggregate classification (germline): Pathogenic (1 of 4 stars; one submission).

Conditions:
Charcot-Marie-Tooth disease type 4. Also called: Charcot-Marie-Tooth disease, type IV; Charcot-Marie-Tooth, Type 4. Identifiers: Orphanet 64749, MedGen C4082197, MONDO:0018995.

Submission:

Labcorp Genetics (formerly Invitae), Labcorp
Classification: Pathogenic for Charcot-Marie-Tooth disease type 4. Last evaluated: 2024-12-17. Review status: criteria provided, single submitter. Criteria: Invitae Variant Classification Sherloc (09022015). Collection method: clinical testing. Allele origin: germline.
Comment: This sequence change creates a premature translational stop signal (p.Ile8Serfs*19) in the FIG4 gene. It is expected to result in an absent or disrupted protein product. Loss-of-function variants in FIG4 are known to be pathogenic (PMID: 23623387, 30740813). This variant is not present in population databases (gnomAD no frequency). This variant has not been reported in the literature in individuals affected with FIG4-related conditions. ClinVar contains an entry for this variant (Variation ID: 1917074). For these reasons, this variant has been classified as Pathogenic.

Literature cited by the submitters: PubMed 23623387; PubMed 30740813.

NM_014845.6(FIG4):c.21del (p.Ile8fs)

Gene: FIG4 (FIG4 phosphoinositide 5-phosphatase; plus strand). Cytogenetic location: 6q21.
Variant type: Deletion.
Coding change: c.21del on transcript NM_014845.6 (MANE Select); coding-DNA position 21, one base deleted (C; older notation c.21delC).
Protein change: p.Ile8fs; shifts the reading frame from isoleucine 8.
Molecular consequence: frameshift variant.
Genome position (GRCh38, 1-based): chr6:109,691,456, C deleted; the last of 5 consecutive C bases (chr6:109,691,452-109,691,456); deleting any one gives the same sequence. VCF-style (leftmost placement, unchanged base first): chr6-109691451-GC-G. GRCh37 (hg19) VCF-style: chr6-110012654-GC-G.
Other names: short protein forms I8fs.
Identifiers: ClinVar variation 1917074 (VCV001917074.5), dbSNP rs1774388527, ClinGen allele CA1093071636.